The following is an entry in ClinVar:

NC_000016.9:g.(?_29802081)_(30199917_?)del

Genes: ALDOA (aldolase, fructose-bisphosphate A; plus strand), ASPHD1 (aspartate beta-hydroxylase domain containing 1; plus strand), CDIPT (CDP-diacylglycerol--inositol 3-phosphatidyltransferase; minus strand), CORO1A (coronin 1A; plus strand), DOC2A (double C2 domain alpha; minus strand) and 18 more. Cytogenetic location: 16p11.2.
Variant type: Deletion.
Identifiers: ClinVar variation 1054446 (VCV001054446.13).

ClinVar aggregate classification (germline): Pathogenic. Review status: criteria provided, single submitter (1 of 4 stars). 4 submissions from 1 submitter: Pathogenic (1). 3 of the submissions do not count toward it. Last evaluated 2024-01-22.

Conditions:
HNSHA due to aldolase A deficiency (GSD12). Also called: GSD XII; RED CELL ALDOLASE DEFICIENCY; GLYCOGEN STORAGE DISEASE XII; Glycogen storage disease due to aldolase A deficiency. Identifiers: Orphanet 57, MedGen C0272066, MONDO:0012747, OMIM 611881.
Episodic kinesigenic dyskinesia (EKD). Also called: Paroxysmal kinesigenic dyskinesia. Identifiers: Orphanet 98809, MedGen C1868682, MONDO:0044202.
Severe combined immunodeficiency due to CORO1A deficiency. Also called: Immunodeficiency 8; IMMUNODEFICIENCY 8 WITH LYMPHOPROLIFERATION. Identifiers: Orphanet 228003, MedGen C3809383, MONDO:0014168, OMIM 615401.

Submissions (4):

Labcorp Genetics (formerly Invitae), Labcorp
Classification: Pathogenic for HNSHA due to aldolase A deficiency. Last evaluated: 2024-01-22. Review status: criteria provided, single submitter. Criteria: Invitae Variant Classification Sherloc (09022015). Collection method: clinical testing. Allele origin: germline.
Comment: A gross deletion of the genomic region encompassing the full coding sequence of the ALDOA gene has been identified. Loss-of-function variants in ALDOA are known to be pathogenic (PMID: 2825199, 14615364). The boundaries of this event are unknown as they extend beyond the assayed region for this gene and therefore may encompass additional genes. Isolated whole-gene deletions of ALDOA have not been reported in the literature. However, larger copy number events that include this gene have been reported (PMID: 22726847). For these reasons, this variant has been classified as Pathogenic.

Labcorp Genetics (formerly Invitae), Labcorp
Classification: Pathogenic for Severe combined immunodeficiency due to CORO1A deficiency. Last evaluated: 2024-01-02. Review status: flagged submission. Criteria: Invitae Variant Classification Sherloc (09022015). Collection method: clinical testing. Allele origin: germline. Not counted in ClinVar's aggregate classification.
Comment: This variant is a gross deletion of the genomic region encompassing exon(s) 1-10 of the CORO1A gene, which includes the initiator codon. This deletion extends beyond the assayed region for this gene and therefore may encompass additional genes. It is expected to result in an absent or disrupted protein product. Loss-of-function variants in CORO1A are known to be pathogenic (PMID: 18836449, 25073507). A similar copy number variant has been observed in individual(s) with severe combined immunodeficiency (SCID) (PMID: 18836449). In at least one individual the data is consistent with being in trans (on the opposite chromosome) from a pathogenic variant. For these reasons, this variant has been classified as Pathogenic.
ClinVar note: Reason: This record appears to be redundant with a more recent record from the same submitter.
ClinVar note: Notes: SCV001588837 appears to be redundant with SCV003796406.

Labcorp Genetics (formerly Invitae), Labcorp
Classification: Pathogenic for Episodic kinesigenic dyskinesia. Last evaluated: 2022-10-31. Review status: flagged submission. Criteria: Invitae Variant Classification Sherloc (09022015). Collection method: clinical testing. Allele origin: germline. Not counted in ClinVar's aggregate classification.
Comment: A gross deletion of the genomic region encompassing the full coding sequence of the PRRT2 gene has been identified. Loss-of-function variants in PRRT2 are known to be pathogenic (PMID: 22623405, 22744660). The boundaries of this event are unknown as they extend beyond the assayed region for this gene and therefore may encompass additional genes. A similar copy number variant has been observed in individual(s) with epilepsy, infantile convulsions with paroxysmal choreoathetosis syndrome, and/or paroxysmal kinesigenic dyskinesia (PMID: 22515636, 23363396, 24811917). In at least one individual the variant was observed to be de novo. For these reasons, this variant has been classified as Pathogenic.
ClinVar note: Reason: This record appears to be redundant with a more recent record from the same submitter.
ClinVar note: Notes: SCV003796406 appears to be redundant with SCV002219016.

Labcorp Genetics (formerly Invitae), Labcorp
Classification: Uncertain significance. Last evaluated: 2020-10-26. Review status: flagged submission. Criteria: Invitae Variant Classification Sherloc (09022015). Collection method: clinical testing. Allele origin: germline. Not counted in ClinVar's aggregate classification.
Comment: A gross deletion of the genomic region encompassing the full coding sequence of the TAOK2 gene has been identified. The current clinical and genetic evidence is not sufficient to establish whether loss-of-function variants in TAOK2 cause disease. The boundaries of this event are unknown as they extend beyond the assayed region for this gene and therefore may encompass additional genes. This variant has not been reported in the literature in individuals with TAOK2-related conditions. In summary, the available evidence is currently insufficient to determine the role of this variant in disease. Therefore, it has been classified as a Variant of Uncertain Significance.
ClinVar note: Reason: This record appears to be redundant with a more recent record from the same submitter.
ClinVar note: Notes: SCV001559009 appears to be redundant with SCV003796406.

Literature cited by the submitters: PubMed 2825199; PubMed 14615364; PubMed 22726847; PubMed 18836449; PubMed 25073507; PubMed 22623405; PubMed 22744660; PubMed 22515636; PubMed 23363396; PubMed 24811917.